The following is an entry in ClinVar:

NM_014946.4(SPAST):c.871-289C>G

Gene: SPAST (spastin; plus strand). Cytogenetic location: 2p22.3.
Variant type: single nucleotide variant.
Coding change: c.871-289C>G on transcript NM_014946.4 (MANE Select); 289 bases into the intron before coding-DNA position 871, C replaced by G.
Molecular consequence: intron variant.
Genome position (GRCh38, 1-based): chr2:32,115,413, C>G. VCF-style: chr2-32115413-C-G. GRCh37 (hg19) VCF-style: chr2-32340482-C-G.
Other names: NC_000002.11:g.32340482C>G; c.775-289C>G (NM_199436.2, NM_001377959.1); c.868-289C>G (NM_001363823.2); c.772-289C>G (NM_001363875.2).
Identifiers: ClinVar variation 684075 (VCV000684075.2), dbSNP rs6543650, ClinGen allele CA44735771.
Genomic context (GRCh38, chr2:32,115,413, plus strand): 5'-CTGTATATTTCATTTTAAATTTATTTTTAAAATTATTTCAATCTTTGTAAATGTTTTATA[C>G]CAGTAACATACCTAGAGTTTTGTCATGATTCTAACAAGGGTTAAAATTTGTTTTTATTTT-3'

ClinVar aggregate classification (germline): Benign (1 of 4 stars; one submission).

Allele frequency attached by ClinVar (database versions not stated): gnomAD 0.97775 and 0.97619; 1000 Genomes Project 30x 0.98064; TOPMed 0.97859; 1000 Genomes Project 0.98083.

Submissions (2):

GeneDx
Classification: Benign. Last evaluated: 2018-06-14. Review status: criteria provided, single submitter. Criteria: GeneDx Variant Classification (06012015). Collection method: clinical testing. Allele origin: germline. Affected: yes.
Comment: This variant is considered likely benign or benign based on one or more of the following criteria: it is a conservative change, it occurs at a poorly conserved position in the protein, it is predicted to be benign by multiple in silico algorithms, and/or has population frequency not consistent with disease.

Dr. Peter K. Rogan Lab, Western University
No classification provided (evidence only). Condition: Lung cancer. Review status: no classification provided. Collection method: in vitro. Allele origin: not applicable. Functional consequence: retained intron. Not counted in ClinVar's aggregate classification.